The following is an entry in ClinVar:

ClinVar aggregate classification (germline): Benign/Likely benign. Review status: criteria provided, multiple submitters, no conflicts (2 of 4 stars). 3 submissions from 3 submitters: Benign (1); Likely benign (2). Last evaluated 2025-12-23.

Conditions:
Hereditary cancer-predisposing syndrome. Also called: Neoplastic Syndromes, Hereditary; Tumor predisposition; Hereditary neoplastic syndrome; Hereditary Cancer Syndrome. Identifiers: Orphanet 140162, MedGen C0027672, MeSH D009386, MONDO:0015356.
Familial adenomatous polyposis 1 (FAP1). Also called: POLYPOSIS, ADENOMATOUS INTESTINAL; FAMILIAL ADENOMATOUS POLYPOSIS 1, ATTENUATED. Identifiers: MedGen C2713442, MONDO:0021056, OMIM 175100. Disease mechanism: loss of function.

Allele frequency attached by ClinVar (database versions not stated): gnomAD exomes below 0.00001 and 0.00001; ExAC 0.00001; gnomAD 0.00001.
gnomAD v4.1: 4 of 1,614,042 alleles (0.00025%); highest among the groups gnomAD compares: South Asian, 0.0022%; no homozygotes.

Submissions (3):

Labcorp Genetics (formerly Invitae), Labcorp
Classification: Likely benign for Familial adenomatous polyposis 1. Last evaluated: 2025-12-23. Review status: criteria provided, single submitter. Criteria: Invitae Variant Classification Sherloc (09022015). Collection method: clinical testing. Allele origin: germline.

Myriad Genetics, Inc.
Classification: Benign for Familial adenomatous polyposis 1. Last evaluated: 2024-03-26. Review status: criteria provided, single submitter. Criteria: Myriad Autosomal Dominant, Autosomal Recessive and X-Linked Classification Criteria (2023). Collection method: clinical testing. Allele origin: unknown.
Comment: This variant is considered benign. This variant is a silent/synonymous amino acid change and it is not expected to impact splicing.

Color Diagnostics, LLC DBA Color Health
Classification: Likely benign for Hereditary cancer-predisposing syndrome. Last evaluated: 2017-11-01. Review status: criteria provided, single submitter. Criteria: ACMG Guidelines, 2015. Collection method: clinical testing. Allele origin: germline.

NM_000038.6(APC):c.4167T>C (p.Ser1389=)

Gene: APC (APC regulator of Wnt signaling pathway; plus strand). Cytogenetic location: 5q22.2.
Variant type: single nucleotide variant.
Coding change: c.4167T>C on transcript NM_000038.6 (MANE Select); coding-DNA position 4167, T replaced by C.
Protein change: p.Ser1389=; no amino-acid change (serine 1389 retained).
Molecular consequence: synonymous variant.
Genome position (GRCh38, 1-based): chr5:112,839,761, T>C. VCF-style: chr5-112839761-T-C. GRCh37 (hg19) VCF-style: chr5-112175458-T-C.
Other names: c.4167T>C, p.Ser1389= (NM_001127510.3, NM_001354895.2); c.4113T>C, p.Ser1371= (NM_001127511.3); c.4221T>C, p.Ser1407= (NM_001354896.2); c.4197T>C, p.Ser1399= (NM_001354897.2); c.4092T>C, p.Ser1364= (NM_001354898.2); c.4083T>C, p.Ser1361= (NM_001354899.2); c.4044T>C, p.Ser1348= (NM_001354900.2); c.3990T>C, p.Ser1330= (NM_001354901.2); and 5 more.
Identifiers: ClinVar variation 630191 (VCV000630191.8), dbSNP rs747757364, ClinGen allele CA037787.